The following is an entry in ClinVar:

NM_017649.5(CNNM2):c.2351C>A (p.Ser784Tyr)

Gene: CNNM2 (cyclin and CBS domain divalent metal cation transport mediator 2; plus strand). Cytogenetic location: 10q24.32.
Variant type: single nucleotide variant.
Coding change: c.2351C>A on transcript NM_017649.5 (MANE Select); coding-DNA position 2351, C replaced by A.
Protein change: p.Ser784Tyr; replaces serine 784 with tyrosine.
Molecular consequence: missense variant.
Genome position (GRCh38, 1-based): chr10:103,076,203, C>A. VCF-style: chr10-103076203-C-A. GRCh37 (hg19) VCF-style: chr10-104835960-C-A.
Other names: c.2285C>A, p.Ser762Tyr (NM_199076.3); short protein forms S762Y, S784Y.
Identifiers: ClinVar variation 3602820 (VCV003602820.2).

ClinVar aggregate classification (germline): Uncertain significance. Review status: criteria provided, multiple submitters, no conflicts (2 of 4 stars). 2 submissions from 2 submitters: Uncertain significance (2). Last evaluated 2026-06-27.

Submissions (2):

Revvity Omics, Revvity
Classification: Uncertain significance. Last evaluated: 2026-06-27. Review status: criteria provided, single submitter. Criteria: ACMG Guidelines, 2015. Collection method: clinical testing. Allele origin: germline.

GeneDx
Classification: Uncertain significance. Last evaluated: 2024-08-10. Review status: criteria provided, single submitter. Criteria: GeneDx Variant Classification Process June 2021. Collection method: clinical testing. Allele origin: germline. Affected: yes.
Comment: Not observed at significant frequency in large population cohorts (gnomAD); In silico analysis supports that this missense variant has a deleterious effect on protein structure/function; Has not been previously published as pathogenic or benign to our knowledge